The following is an entry in ClinVar:

NM_001091.4(AOC1):c.2247A>G (p.Arg749=)

Gene: AOC1 (amine oxidase copper containing 1; plus strand). Cytogenetic location: 7q36.1.
Variant type: single nucleotide variant.
Coding change: c.2247A>G on transcript NM_001091.4 (MANE Select); coding-DNA position 2247, A replaced by G.
Protein change: p.Arg749=; no amino-acid change (arginine 749 retained).
Molecular consequence: synonymous variant.
Genome position (GRCh38, 1-based): chr7:150,861,200, A>G. VCF-style: chr7-150861200-A-G. GRCh37 (hg19) VCF-style: chr7-150558288-A-G.
Other names: c.2304A>G, p.Arg768= (NM_001272072.2).
Identifiers: ClinVar variation 2658161 (VCV002658161.24), dbSNP rs572130558, ClinGen allele CA4566399.

ClinVar aggregate classification (germline): Likely benign (1 of 4 stars; one submission).

Allele frequency attached by ClinVar (database versions not stated): gnomAD 0.00009; gnomAD exomes 0.00017; ExAC 0.00021; 1000 Genomes Project 0.00040; 1000 Genomes Project 30x 0.00047; TOPMed 0.00002.
gnomAD v4.1: 260 of 1,575,766 alleles (0.016%); highest among the groups gnomAD compares: South Asian, 0.28%; 3 homozygotes.

Submission:

CeGaT Center for Human Genetics Tuebingen
Classification: Likely benign. Last evaluated: 2022-09-01. Review status: criteria provided, single submitter. Criteria: CeGaT Center For Human Genetics Tuebingen Variant Classification Criteria Version 2. Collection method: clinical testing. Allele origin: germline. Affected: yes. Observed: 1 variant allele.
Comment: AOC1: BP4, BP7